The following is an entry in ClinVar:

ClinVar aggregate classification (germline): Uncertain significance (1 of 4 stars; one submission).

Conditions:
Charcot-Marie-Tooth disease type 2. Also called: Charcot-Marie-Tooth type 2. Identifiers: Orphanet 64746, MedGen C0270914, MONDO:0018993.

Submission:

Labcorp Genetics (formerly Invitae), Labcorp
Classification: Uncertain significance for Charcot-Marie-Tooth disease type 2. Last evaluated: 2024-10-08. Review status: criteria provided, single submitter. Criteria: Invitae Variant Classification Sherloc (09022015). Collection method: clinical testing. Allele origin: germline.
Comment: This sequence change replaces threonine, which is neutral and polar, with serine, which is neutral and polar, at codon 804 of the AARS protein (p.Thr804Ser). This variant is not present in population databases (gnomAD no frequency). This variant has not been reported in the literature in individuals affected with AARS-related conditions. ClinVar contains an entry for this variant (Variation ID: 2099918). An algorithm developed to predict the effect of missense changes on protein structure and function outputs the following: PolyPhen-2: "Benign". The serine amino acid residue is found in multiple mammalian species, which suggests that this missense change does not adversely affect protein function. In summary, the available evidence is currently insufficient to determine the role of this variant in disease. Therefore, it has been classified as a Variant of Uncertain Significance.

NM_001605.3(AARS1):c.2411C>G (p.Thr804Ser)

Gene: AARS1 (alanyl-tRNA synthetase 1; minus strand). Cytogenetic location: 16q22.1.
Variant type: single nucleotide variant.
Coding change: c.2411C>G on transcript NM_001605.3 (MANE Select); coding-DNA position 2411, C replaced by G.
Protein change: p.Thr804Ser; replaces threonine 804 with serine.
Molecular consequence: missense variant.
Genome position (GRCh38, 1-based): chr16:70,254,028, G>C on the plus strand (C>G on the coding strand, the complement: AARS1 is on the minus strand). VCF-style: chr16-70254028-G-C. GRCh37 (hg19) VCF-style: chr16-70287931-G-C.
Other names: short protein forms T804S.
Identifiers: ClinVar variation 2099918 (VCV002099918.4), dbSNP rs76446904, ClinGen allele CA283424187.